The following is an entry in ClinVar:

NM_173354.5(SIK1):c.1143C>A (p.Thr381=)

Gene: SIK1 (salt inducible kinase 1; minus strand). Cytogenetic location: 21q22.3.
Variant type: single nucleotide variant.
Coding change: c.1143C>A on transcript NM_173354.5 (MANE Select); coding-DNA position 1143, C replaced by A.
Protein change: p.Thr381=; no amino-acid change (threonine 381 retained).
Molecular consequence: synonymous variant.
Genome position (GRCh38, 1-based): chr21:43,419,455, G>T on the plus strand (C>A on the coding strand, the complement: SIK1 is on the minus strand). VCF-style: chr21-43419455-G-T. GRCh37 (hg19) VCF-style: chr21-44839335-G-T.
Identifiers: ClinVar variation 1447433 (VCV001447433.8), dbSNP rs201261435, ClinGen allele CA321326187.

ClinVar aggregate classification (germline): Uncertain significance (1 of 4 stars; one submission).

Conditions:
Developmental and epileptic encephalopathy, 30 (DEE30). Also called: Epileptic encephalopathy, early infantile, 30. Identifiers: MedGen C4225360, MONDO:0014595, OMIM 616341.

Allele frequency attached by ClinVar (database versions not stated): ESP Exome Variant Server 0.00008.

Submission:

Labcorp Genetics (formerly Invitae), Labcorp
Classification: Uncertain significance for Developmental and epileptic encephalopathy, 30. Last evaluated: 2021-06-16. Review status: criteria provided, single submitter. Criteria: Invitae Variant Classification Sherloc (09022015). Collection method: clinical testing. Allele origin: germline.
Comment: In summary, the available evidence is currently insufficient to determine the role of this variant in disease. Therefore, it has been classified as a Variant of Uncertain Significance. Algorithms developed to predict the effect of sequence changes on RNA splicing suggest that this variant may create or strengthen a splice site, but this prediction has not been confirmed by published transcriptional studies. This variant has not been reported in the literature in individuals with SIK1-related conditions. This variant is present in population databases (rs201261435, ExAC 0.02%). This sequence change affects codon 381 of the SIK1 mRNA. It is a 'silent' change, meaning that it does not change the encoded amino acid sequence of the SIK1 protein.